The following is an entry in ClinVar:

NM_033310.3(KCNK4):c.428G>A (p.Gly143Asp)

Genes: KCNK4 (potassium two pore domain channel subfamily K member 4; plus strand), KCNK4-CATSPERZ (KCNK4-CATSPERZ readthrough (NMD candidate); plus strand). Cytogenetic location: 11q13.1.
Variant type: single nucleotide variant.
Coding change: c.428G>A on transcript NM_033310.3 (MANE Select); coding-DNA position 428, G replaced by A.
Protein change: p.Gly143Asp; replaces glycine 143 with aspartic acid.
Molecular consequence: missense variant. On other transcripts: non-coding transcript variant (3).
Genome position (GRCh38, 1-based): chr11:64,297,233, G>A. VCF-style: chr11-64297233-G-A. GRCh37 (hg19) VCF-style: chr11-64064705-G-A.
Other names: c.428G>A, p.Gly143Asp (NM_001317090.2, NM_033311.1); short protein forms G143D.
Identifiers: ClinVar variation 1803302 (VCV001803302.1), dbSNP rs2495688455, ClinGen allele CA381164715.
Genomic context (GRCh38, chr11:64,297,233, plus strand): 5'-ATGCGCTGGTGGGGATTCCGCTGTTTGGGATCCTACTGGCAGGGGTCGGGGACCGGCTGG[G>A]CTCCTCCCTGCGCCATGGCATCGGTCACATTGAAGCCATCTTCTTGGTGAGCTGCTCCAT-3'
Protein context (NP_201567.1, residues 133-153): ILLAGVGDRL[Gly143Asp]SSLRHGIGHI

ClinVar aggregate classification (germline): Pathogenic (1 of 4 stars; one submission).

Submission:

GeneDx
Classification: Pathogenic. Last evaluated: 2022-12-09. Review status: criteria provided, single submitter. Criteria: GeneDx Variant Classification Process June 2021. Collection method: clinical testing. Allele origin: germline. Affected: yes.
Comment: Not observed at significant frequency in large population cohorts (gnomAD); In silico analysis supports that this missense variant has a deleterious effect on protein structure/function; Has not been previously published as pathogenic or benign to our knowledge